The following is an entry in ClinVar:

NM_005068.3(SIM1):c.2268G>A (p.Lys756=)

Gene: SIM1 (SIM bHLH transcription factor 1; minus strand). Cytogenetic location: 6q16.3.
Variant type: single nucleotide variant.
Coding change: c.2268G>A on transcript NM_005068.3 (MANE Select); coding-DNA position 2268, G replaced by A.
Protein change: p.Lys756=; no amino-acid change (lysine 756 retained).
Molecular consequence: synonymous variant.
Genome position (GRCh38, 1-based): chr6:100,390,394, C>T on the plus strand (G>A on the coding strand, the complement: SIM1 is on the minus strand). VCF-style: chr6-100390394-C-T. GRCh37 (hg19) VCF-style: chr6-100838270-C-T.
Other names: c.2268G>A, p.Lys756= (NM_001374769.1).
Identifiers: ClinVar variation 792277 (VCV000792277.4), dbSNP rs928584013, ClinGen allele CA451586050.

ClinVar aggregate classification (germline): Likely benign. Review status: criteria provided, single submitter (1 of 4 stars). 2 submissions from 2 submitters: Likely benign (1). 1 of the submissions does not count toward it. Last evaluated 2018-10-10.

Conditions:
SIM1-related disorder. Also called: SIM1-related condition; SIM1-related disorders.

Submissions (2):

Labcorp Genetics (formerly Invitae), Labcorp
Classification: Likely benign. Last evaluated: 2018-10-10. Review status: criteria provided, single submitter. Criteria: Invitae Variant Classification Sherloc (09022015). Collection method: clinical testing. Allele origin: germline.

PreventionGenetics, part of Exact Sciences
Classification: Likely benign for SIM1-related condition. Last evaluated: 2021-07-19. Review status: no assertion criteria provided. Collection method: clinical testing. Allele origin: germline. Not counted in ClinVar's aggregate classification.
Comment: This variant is classified as likely benign based on ACMG/AMP sequence variant interpretation guidelines (Richards et al. 2015 PMID: 25741868, with internal and published modifications).